The following is an entry in ClinVar:

NM_006796.3(AFG3L2):c.1153G>A (p.Gly385Ser)

Gene: AFG3L2 (AFG3 like matrix AAA peptidase subunit 2; minus strand). Cytogenetic location: 18p11.21.
Variant type: single nucleotide variant.
Coding change: c.1153G>A on transcript NM_006796.3 (MANE Select); coding-DNA position 1153, G replaced by A.
Protein change: p.Gly385Ser; replaces glycine 385 with serine.
Molecular consequence: missense variant.
Genome position (GRCh38, 1-based): chr18:12,356,705, C>T on the plus strand (G>A on the coding strand, the complement: AFG3L2 is on the minus strand). VCF-style: chr18-12356705-C-T. GRCh37 (hg19) VCF-style: chr18-12356704-C-T.
Other names: short protein forms G385S.
Identifiers: ClinVar variation 421665 (VCV000421665.4), dbSNP rs1064795281, ClinGen allele CA16620662.

ClinVar aggregate classification (germline): Likely pathogenic. Review status: criteria provided, multiple submitters, no conflicts (2 of 4 stars). 2 submissions from 2 submitters: Likely pathogenic (2). Last evaluated 2025-12-03.

Conditions:
Spinocerebellar ataxia type 28 (SCA28). Also called: Spinocerebellar Ataxia Type 28 (SCA28). Identifiers: Orphanet 101109, MedGen C1853249, MONDO:0012450, OMIM 610246.

Submissions (2):

Undiagnosed Diseases Network, NIH
Classification: Likely pathogenic for Spinocerebellar ataxia type 28. Last evaluated: 2025-12-03. Review status: criteria provided, single submitter. Criteria: ACMG Guidelines, 2015. Collection method: clinical testing. Allele origin: de novo. Affected: yes. Observed: 1 variant allele, 1 heterozygote. Study: Undiagnosed Diseases Network (NIH), UDN.
Comment: This variant has been previously reported in individuals with neurodevelopmental disorders and ataxia (PMID: 34052969,35982159). This variant has not been observed in gnomAD. This missense variant has an inconclusive theoretical prediction score (CADD: 28.900, REVEL: 0.857). The evolutionary conservation of this residue is high.

GeneDx
Classification: Likely pathogenic. Last evaluated: 2019-10-11. Review status: criteria provided, single submitter. Criteria: GeneDx Variant Classification Process June 2021. Collection method: clinical testing. Allele origin: germline. Affected: yes.
Comment: Not observed in large population cohorts (Lek et al., 2016); In silico analysis, which includes protein predictors and evolutionary conservation, supports a deleterious effect; Has not been previously published as pathogenic or benign to our knowledge

Literature cited by the submitters: PubMed 34052969 (cited by Undiagnosed Diseases Network, NIH); PubMed 35982159 (cited by Undiagnosed Diseases Network, NIH).